The following is an entry in ClinVar:

ClinVar aggregate classification (germline): Conflicting classifications of pathogenicity. Review status: criteria provided, conflicting classifications (1 of 4 stars). 3 submissions from 3 submitters: Uncertain significance (1); Likely benign (2). Last evaluated 2023-07-17.

Conditions:
Emery-Dreifuss muscular dystrophy 4, autosomal dominant (EDMD4). Also called: EMERY-DREIFUSS MUSCULAR DYSTROPHY 4 WITH VARIABLE FEATURES. Identifiers: Orphanet 261, MedGen C2751807, MONDO:0013071, OMIM 612998.
Autosomal recessive ataxia, Beauce type. Also called: SYNE1 Deficiency; SYNE1-Related Autosomal Recessive Cerebellar Ataxia; Spinocerebellar ataxia, autosomal recessive 8; ATAXIA, RECESSIVE, OF BEAUCE. Identifiers: Orphanet 88644, MedGen C1853116, MONDO:0012549, OMIM 610743.

Allele frequency attached by ClinVar (database versions not stated): gnomAD exomes 0.00001 and below 0.00001; TOPMed 0.00003; gnomAD 0.00004 and 0.00005; ESP Exome Variant Server 0.00008; ExAC 0.00001.
gnomAD v4.1: 19 of 1,614,018 alleles (0.0012%); highest among the groups gnomAD compares: Middle Eastern, 0.049%; no homozygotes.

Submissions (3):

Labcorp Genetics (formerly Invitae), Labcorp
Classification: Likely benign for Emery-Dreifuss muscular dystrophy 4, autosomal dominant; Autosomal recessive ataxia, Beauce type. Last evaluated: 2023-07-17. Review status: criteria provided, single submitter. Criteria: Invitae Variant Classification Sherloc (09022015). Collection method: clinical testing. Allele origin: germline.

CeGaT Center for Human Genetics Tuebingen
Classification: Likely benign. Last evaluated: 2022-11-01. Review status: criteria provided, single submitter. Criteria: CeGaT Center For Human Genetics Tuebingen Variant Classification Criteria Version 2. Collection method: clinical testing. Allele origin: germline. Affected: yes. Observed: 1 variant allele.
Comment: SYNE1: BP4, BP7

Eurofins Ntd Llc (ga)
Classification: Uncertain significance. Last evaluated: 2018-01-31. Review status: criteria provided, single submitter. Criteria: EGL Classification Definitions 2015. Collection method: clinical testing. Allele origin: germline. Observed: 2 variant alleles, 2 heterozygotes.

NM_182961.4(SYNE1):c.19188C>T (p.Asp6396=)

Gene: SYNE1 (spectrin repeat containing nuclear envelope protein 1; minus strand). Cytogenetic location: 6q25.2.
Variant type: single nucleotide variant.
Coding change: c.19188C>T on transcript NM_182961.4 (MANE Select); coding-DNA position 19188, C replaced by T.
Protein change: p.Asp6396=; no amino-acid change (aspartic acid 6396 retained).
Molecular consequence: synonymous variant.
Genome position (GRCh38, 1-based): chr6:152,255,663, G>A on the plus strand (C>T on the coding strand, the complement: SYNE1 is on the minus strand). VCF-style: chr6-152255663-G-A. GRCh37 (hg19) VCF-style: chr6-152576798-G-A.
Other names: c.18975C>T, p.Asp6325= (NM_033071.5).
Identifiers: ClinVar variation 595939 (VCV000595939.33), dbSNP rs369626489, ClinGen allele CA4054743.